The following is an entry in ClinVar:

ClinVar aggregate classification (germline): Uncertain significance (1 of 4 stars; one submission).

Conditions:
Inborn genetic diseases. Identifiers: MedGen C0950123, MeSH D030342.

gnomAD v4.1: 1 of 1,613,816 alleles (0.000062%); highest among the groups gnomAD compares: African/African-American, 0.0013%; no homozygotes.

Submission:

Ambry Genetics
Classification: Uncertain significance for Inborn genetic diseases. Last evaluated: 2024-06-08. Review status: criteria provided, single submitter. Criteria: Ambry Variant Classification Scheme 2023. Collection method: clinical testing. Allele origin: germline.
Comment: The p.G261D variant (also known as c.782G>A), located in coding exon 9 of the ERCC2 gene, results from a G to A substitution at nucleotide position 782. The glycine at codon 261 is replaced by aspartic acid, an amino acid with similar properties. This amino acid position is conserved. In addition, the in silico prediction for this alteration is inconclusive. Based on the available evidence, the clinical significance of this variant remains unclear.

NM_000400.4(ERCC2):c.782G>A (p.Gly261Asp)

Gene: ERCC2 (ERCC excision repair 2, TFIIH core complex helicase subunit; minus strand). Cytogenetic location: 19q13.32.
Variant type: single nucleotide variant.
Coding change: c.782G>A on transcript NM_000400.4 (MANE Select); coding-DNA position 782, G replaced by A.
Protein change: p.Gly261Asp; replaces glycine 261 with aspartic acid.
Molecular consequence: missense variant.
Genome position (GRCh38, 1-based): chr19:45,364,268, C>T on the plus strand (G>A on the coding strand, the complement: ERCC2 is on the minus strand). VCF-style: chr19-45364268-C-T. GRCh37 (hg19) VCF-style: chr19-45867526-C-T.
Other names: c.710G>A, p.Gly237Asp (NM_001130867.2); short protein forms G261D, G237D.
Identifiers: ClinVar variation 3276285 (VCV003276285.1).